The following is an entry in ClinVar:

NM_022455.5(NSD1):c.5229G>A (p.Trp1743Ter)

Gene: NSD1 (nuclear receptor binding SET domain protein 1; plus strand). Cytogenetic location: 5q35.3.
Variant type: single nucleotide variant.
Coding change: c.5229G>A on transcript NM_022455.5 (MANE Select); coding-DNA position 5229, G replaced by A.
Protein change: p.Trp1743Ter; replaces tryptophan 1743 with a stop codon.
Molecular consequence: nonsense.
Genome position (GRCh38, 1-based): chr5:177,267,644, G>A. VCF-style: chr5-177267644-G-A. GRCh37 (hg19) VCF-style: chr5-176694645-G-A.
Other names: c.4356G>A, p.Trp1452Ter (NM_001365684.2, NM_001409308.1, NM_001409309.1 and 1 more transcripts); c.5229G>A, p.Trp1743Ter (NM_001409301.1, NM_001409302.1, NM_001409303.1); c.4809G>A, p.Trp1603Ter (NM_001409304.1); c.4476G>A, p.Trp1492Ter (NM_001409305.1); c.4467G>A, p.Trp1489Ter (NM_001409306.1, NM_001409307.1); short protein forms W1743*, W1474*, W1452*, W1489*, W1492*, W1603*.
Identifiers: ClinVar variation 488836 (VCV000488836.2), dbSNP rs1554201740, ClinGen allele CA362305835.
Genomic context (GRCh38, chr5:177,267,644, plus strand): 5'-TTCTTGCCCTGCTGCTTTTCATCGTGAATGCCTGAACATTGATATCCCTGAAGGAAACTG[G>A]TATTGCAATGACTGTAAAGCAGGCAAAAAGCCACACTACAGGGAGATTGTCTGGGTAAAA-3'

ClinVar aggregate classification (germline): Pathogenic. Review status: criteria provided, multiple submitters, no conflicts (2 of 4 stars). 2 submissions from 2 submitters: Pathogenic (2). Last evaluated 2025-05-25.

Submissions (2):

Labcorp Genetics (formerly Invitae), Labcorp
Classification: Pathogenic. Last evaluated: 2025-05-25. Review status: criteria provided, single submitter. Criteria: Invitae Variant Classification Sherloc (09022015). Collection method: clinical testing. Allele origin: germline.
Comment: This sequence change creates a premature translational stop signal (p.Trp1743*) in the NSD1 gene. It is expected to result in an absent or disrupted protein product. Loss-of-function variants in NSD1 are known to be pathogenic (PMID: 12464997, 14571271, 15942875, 16247291). This variant is not present in population databases (gnomAD no frequency). This premature translational stop signal has been observed in individual(s) with Sotos syndrome (PMID: 14627693). ClinVar contains an entry for this variant (Variation ID: 488836). For these reasons, this variant has been classified as Pathogenic.

GeneDx
Classification: Pathogenic. Last evaluated: 2017-06-15. Review status: criteria provided, single submitter. Criteria: GeneDx Variant Classification (06012015). Collection method: clinical testing. Allele origin: germline. Affected: yes.
Comment: The W1743X nonsense variant in the NSD1 gene has been reported previously in association with Sotos syndrome (Kamimura et al., 2003). This pathogenic variant is predicted to cause loss of normal protein function either through protein truncation or nonsense mediated mRNA decay. Additionally, the W1743X variant is not observed in large population cohorts (Lek et al., 2016; 1000 Genomes Consortium et al., 2015; Exome Variant Server). Therefore, the presence of W1743X is consistent with a diagnosis of Sotos syndrome.

Literature cited by the submitters: PubMed 12464997 (cited by Labcorp Genetics (formerly Invitae), Labcorp); PubMed 14571271 (cited by Labcorp Genetics (formerly Invitae), Labcorp); PubMed 15942875 (cited by Labcorp Genetics (formerly Invitae), Labcorp); PubMed 16247291 (cited by Labcorp Genetics (formerly Invitae), Labcorp); PubMed 14627693 (cited by Labcorp Genetics (formerly Invitae), Labcorp).